The following is an entry in ClinVar:

ClinVar aggregate classification (germline): Uncertain significance (1 of 4 stars; one submission).

Conditions:
Long QT syndrome (LQTS). Identifiers: MedGen C0023976, MeSH D008133, MONDO:0002442. Disease mechanism: loss of function. Inheritance: Various modes of inheritance.

Allele frequency attached by ClinVar (database versions not stated): TOPMed below 0.00001; ExAC 0.00001; gnomAD exomes 0.00001.
gnomAD v4.1: 8 of 1,613,702 alleles (0.0005%); highest among the groups gnomAD compares: South Asian, 0.0011%; no homozygotes.

Submission:

Labcorp Genetics (formerly Invitae), Labcorp
Classification: Uncertain significance for Long QT syndrome. Last evaluated: 2025-11-10. Review status: criteria provided, single submitter. Criteria: Invitae Variant Classification Sherloc (09022015). Collection method: clinical testing. Allele origin: germline.
Comment: This sequence change replaces arginine, which is basic and polar, with histidine, which is basic and polar, at codon 1634 of the CACNA1C protein (p.Arg1634His). The frequency data for this variant in the population databases is considered unreliable, as metrics indicate poor data quality at this position in the gnomAD database. This variant has not been reported in the literature in individuals affected with CACNA1C-related conditions. ClinVar contains an entry for this variant (Variation ID: 1374493). Invitae Evidence Modeling of protein sequence and biophysical properties (such as structural, functional, and spatial information, amino acid conservation, physicochemical variation, residue mobility, and thermodynamic stability) indicates that this missense variant is expected to disrupt CACNA1C protein function with a positive predictive value of 95%. In summary, the available evidence is currently insufficient to determine the role of this variant in disease. Therefore, it has been classified as a Variant of Uncertain Significance.

NM_000719.7(CACNA1C):c.4901G>A (p.Arg1634His)

Genes: CACNA1C (calcium voltage-gated channel subunit alpha1 C; plus strand), CACNA1C-AS1 (CACNA1C antisense RNA 1; minus strand). Cytogenetic location: 12p13.33.
Variant type: single nucleotide variant.
Coding change: c.4901G>A on transcript NM_000719.7 (MANE Select); coding-DNA position 4901, G replaced by A.
Protein change: p.Arg1634His; replaces arginine 1634 with histidine.
Molecular consequence: missense variant. On other transcripts: non-coding transcript variant (1).
Genome position (GRCh38, 1-based): chr12:2,677,166, G>A. VCF-style: chr12-2677166-G-A. GRCh37 (hg19) VCF-style: chr12-2786332-G-A.
Other names: c.5045G>A, p.Arg1682His (NM_001129827.2, NM_199460.4); c.5024G>A, p.Arg1675His (NM_001129829.2); c.4901G>A, p.Arg1634His (NM_001129830.3, NM_001129840.2, NM_001129841.2 and 4 more transcripts); c.4985G>A, p.Arg1662His (NM_001129831.2); c.4961G>A, p.Arg1654His (NM_001129832.2); c.4958G>A, p.Arg1653His (NM_001129833.2, NM_001129834.2, NM_001129835.2); c.4952G>A, p.Arg1651His (NM_001129836.2); c.4925G>A, p.Arg1642His (NM_001129837.2, NM_001129838.2); and 3 more; short protein forms R1642H, R1653H, R1675H, R1682H, R1634H, R1623H, R1654H, R1662H.
Identifiers: ClinVar variation 1374493 (VCV001374493.6), dbSNP rs747957522, ClinGen allele CA6389640.
Genomic context (GRCh38, chr12:2,677,166, plus strand): 5'-CCGTTGGCAAGTTCTACGCCACGTTCCTGATCCAGGAGTACTTCCGGAAGTTCAAGAAGC[G>A]CAAAGAGCAGGGCCTTGTGGGCAAGCCCTCCCAGAGGAACGCGCTGTCTCTGCAGGTGAG-3'
Protein context (NP_000710.5, residues 1624-1644): IQEYFRKFKK[Arg1634His]KEQGLVGKPS